The following is an entry in ClinVar:

NM_001166108.2(PALLD):c.3203C>A (p.Thr1068Asn)

Genes: CBR4 (carbonyl reductase 4; minus strand), PALLD (palladin, cytoskeletal associated protein; plus strand). Cytogenetic location: 4q32.3.
Variant type: single nucleotide variant.
Coding change: c.3203C>A on transcript NM_001166108.2 (MANE Select); coding-DNA position 3203, C replaced by A.
Protein change: p.Thr1068Asn; replaces threonine 1068 with asparagine.
Molecular consequence: missense variant.
Genome position (GRCh38, 1-based): chr4:168,924,399, C>A. VCF-style: chr4-168924399-C-A. GRCh37 (hg19) VCF-style: chr4-169845550-C-A.
Other names: c.2006C>A, p.Thr669Asn (NM_001166109.2); c.1691C>A, p.Thr564Asn (NM_001166110.2); c.1031C>A, p.Thr344Asn (NM_001367567.1, NM_001367569.1); c.1082C>A, p.Thr361Asn (NM_001367568.1, NM_001367570.1); c.3152C>A, p.Thr1051Asn (NM_016081.4); short protein forms T1051N, T361N, T669N, T564N, T1068N, T344N.
Identifiers: ClinVar variation 1728205 (VCV001728205.2), dbSNP rs2534253347, ClinGen allele CA358712914.

ClinVar aggregate classification (germline): Uncertain significance (1 of 4 stars; one submission).

Submission:

Ambry Genetics
Classification: Uncertain significance. Last evaluated: 2022-05-04. Review status: criteria provided, single submitter. Criteria: Ambry Variant Classification Scheme 2023. Collection method: clinical testing. Allele origin: germline.
Comment: The p.T1051N variant (also known as c.3152C>A), located in coding exon 17 of the PALLD gene, results from a C to A substitution at nucleotide position 3152. The threonine at codon 1051 is replaced by asparagine, an amino acid with similar properties. This amino acid position is conserved. In addition, this alteration is predicted to be tolerated by in silico analysis. Since supporting evidence is limited at this time, the clinical significance of this alteration remains unclear.